The following is an entry in ClinVar:

ClinVar aggregate classification (germline): Uncertain significance (1 of 4 stars; one submission).

Conditions:
Autoimmune enteropathy and endocrinopathy - susceptibility to chronic infections syndrome. Also called: Immunodeficiency 31C, autosomal dominant; Immunodeficiency 31C. Identifiers: Orphanet 391487, MedGen C3279990, MONDO:0013599, OMIM 614162.
Mendelian susceptibility to mycobacterial diseases due to partial STAT1 deficiency. Also called: IMMUNODEFICIENCY 31A, MYCOBACTERIOSIS, AUTOSOMAL DOMINANT; STAT1 DEFICIENCY, AUTOSOMAL DOMINANT; Immunodeficiency 31a. Identifiers: Orphanet 319595, MedGen C4013950, MONDO:0013956, OMIM 614892.
Immunodeficiency 31B. Also called: STAT1 DEFICIENCY, AUTOSOMAL RECESSIVE; IMMUNODEFICIENCY 31B, MYCOBACTERIAL AND VIRAL INFECTIONS, AUTOSOMAL RECESSIVE. Identifiers: Orphanet 391311, MedGen C3151088, MONDO:0013427, OMIM 613796.

Submission:

Labcorp Genetics (formerly Invitae), Labcorp
Classification: Uncertain significance for Mendelian susceptibility to mycobacterial diseases due to partial STAT1 deficiency; Immunodeficiency 31B; Autoimmune enteropathy and endocrinopathy - susceptibility to chronic infections syndrome. Last evaluated: 2025-09-14. Review status: criteria provided, single submitter. Criteria: Invitae Variant Classification Sherloc (09022015). Collection method: clinical testing. Allele origin: germline.
Comment: This sequence change replaces serine, which is neutral and polar, with phenylalanine, which is neutral and non-polar, at codon 432 of the STAT1 protein (p.Ser432Phe). This variant is not present in population databases (gnomAD no frequency). This variant has not been reported in the literature in individuals affected with STAT1-related conditions. ClinVar contains an entry for this variant (Variation ID: 2949102). An algorithm developed to predict the effect of missense changes on protein structure and function (PolyPhen-2) suggests that this variant is likely to be disruptive. In summary, the available evidence is currently insufficient to determine the role of this variant in disease. Therefore, it has been classified as a Variant of Uncertain Significance.

NM_007315.4(STAT1):c.1295C>T (p.Ser432Phe)

Gene: STAT1 (signal transducer and activator of transcription 1; minus strand). Cytogenetic location: 2q32.2.
Variant type: single nucleotide variant.
Coding change: c.1295C>T on transcript NM_007315.4 (MANE Select); coding-DNA position 1295, C replaced by T.
Protein change: p.Ser432Phe; replaces serine 432 with phenylalanine.
Molecular consequence: missense variant.
Genome position (GRCh38, 1-based): chr2:190,984,362, G>A on the plus strand (C>T on the coding strand, the complement: STAT1 is on the minus strand). VCF-style: chr2-190984362-G-A. GRCh37 (hg19) VCF-style: chr2-191849088-G-A.
Other names: c.1295C>T, p.Ser432Phe (NM_139266.3, NM_001384886.1, NM_001384889.1); c.1235C>T, p.Ser412Phe (NM_001384880.1); c.1301C>T, p.Ser434Phe (NM_001384881.1, NM_001384884.1); c.1289C>T, p.Ser430Phe (NM_001384882.1); c.1196C>T, p.Ser399Phe (NM_001384883.1); c.1136C>T, p.Ser379Phe (NM_001384885.1); c.1202C>T, p.Ser401Phe (NM_001384887.1); c.1265C>T, p.Ser422Phe (NM_001384888.1); and 2 more; short protein forms S399F, S401F, S422F, S430F, S432F, S434F, S379F, S402F.
Identifiers: ClinVar variation 2949102 (VCV002949102.3), dbSNP rs2470453219, ClinGen allele CA349917877.